The following is an entry in ClinVar:

NM_020937.4(FANCM):c.2423C>T (p.Thr808Ile)

Gene: FANCM (FA complementation group M; plus strand). Cytogenetic location: 14q21.2.
Variant type: single nucleotide variant.
Coding change: c.2423C>T on transcript NM_020937.4 (MANE Select); coding-DNA position 2423, C replaced by T.
Protein change: p.Thr808Ile; replaces threonine 808 with isoleucine.
Molecular consequence: missense variant.
Genome position (GRCh38, 1-based): chr14:45,175,177, C>T. VCF-style: chr14-45175177-C-T. GRCh37 (hg19) VCF-style: chr14-45644380-C-T.
Other names: c.2345C>T, p.Thr782Ile (NM_001308133.2); c.2423C>T (NM_020937.2); short protein forms T782I, T808I.
Identifiers: ClinVar variation 1043260 (VCV001043260.9), dbSNP rs200194850, ClinGen allele CA389597814.
Genomic context (GRCh38, chr14:45,175,177, plus strand): 5'-AAGATGTTACCTCAACATTTATTGCTCCCAGGAATGAATCTAATAATCTTGCCAGTGACA[C>T]CTTTATCACTCACAAGAAATCGTCATTTATAAAGAACATAAATCAAGGCAGTTCATCCTC-3'
Protein context (NP_065988.1, residues 798-818): RNESNNLASD[Thr808Ile]FITHKKSSFI

ClinVar aggregate classification (germline): Uncertain significance. Review status: criteria provided, multiple submitters, no conflicts (2 of 4 stars). 2 submissions from 2 submitters: Uncertain significance (2). Last evaluated 2025-06-17.

Conditions:
Inborn genetic diseases. Identifiers: MedGen C0950123, MeSH D030342.
Fanconi anemia (FA). Also called: Fanconi's anemia. Identifiers: Orphanet 84, MedGen C0015625, MeSH D005199, MONDO:0019391.

Allele frequency attached by ClinVar (database versions not stated): gnomAD exomes below 0.00001; TOPMed below 0.00001; gnomAD 0.00001.

Submissions (2):

Ambry Genetics
Classification: Uncertain significance for Inborn genetic diseases. Last evaluated: 2025-06-17. Review status: criteria provided, single submitter. Criteria: Ambry Variant Classification Scheme 2023. Collection method: clinical testing. Allele origin: germline.
Comment: The p.T808I variant (also known as c.2423C>T), located in coding exon 14 of the FANCM gene, results from a C to T substitution at nucleotide position 2423. The threonine at codon 808 is replaced by isoleucine, an amino acid with similar properties. This amino acid position is conserved. In addition, this alteration is predicted to be tolerated by in silico analysis. Based on the available evidence, the clinical significance of this variant remains unclear.

Labcorp Genetics (formerly Invitae), Labcorp
Classification: Uncertain significance for Fanconi anemia. Last evaluated: 2020-06-13. Review status: criteria provided, single submitter. Criteria: Invitae Variant Classification Sherloc (09022015). Collection method: clinical testing. Allele origin: germline.
Comment: This sequence change replaces threonine with isoleucine at codon 808 of the FANCM protein (p.Thr808Ile). The threonine residue is weakly conserved and there is a moderate physicochemical difference between threonine and isoleucine. This variant is not present in population databases (ExAC no frequency). In summary, the available evidence is currently insufficient to determine the role of this variant in disease. Therefore, it has been classified as a Variant of Uncertain Significance. Algorithms developed to predict the effect of missense changes on protein structure and function output the following: SIFT: "Tolerated"; PolyPhen-2: "Benign"; Align-GVGD: "Class C0". The isoleucine amino acid residue is found in multiple mammalian species, suggesting that this missense change does not adversely affect protein function. These predictions have not been confirmed by published functional studies and their clinical significance is uncertain. This variant has not been reported in the literature in individuals with FANCM-related conditions.